The following is an entry in ClinVar:

NM_004318.4(ASPH):c.896G>A (p.Ser299Asn)

Gene: ASPH (aspartate beta-hydroxylase; minus strand). Cytogenetic location: 8q12.3.
Variant type: single nucleotide variant.
Coding change: c.896G>A on transcript NM_004318.4 (MANE Select); coding-DNA position 896, G replaced by A.
Protein change: p.Ser299Asn; replaces serine 299 with asparagine.
Molecular consequence: missense variant. On other transcripts: intron variant (20).
Genome position (GRCh38, 1-based): chr8:61,633,721, C>T on the plus strand (G>A on the coding strand, the complement: ASPH is on the minus strand). VCF-style: chr8-61633721-C-T. GRCh37 (hg19) VCF-style: chr8-62546280-C-T.
Other names: c.809G>A, p.Ser270Asn (NM_001164750.2, NM_001413865.1, NM_001413903.1); c.851G>A, p.Ser284Asn (NM_001164751.2); c.794G>A, p.Ser265Asn (NM_001164752.2); c.725G>A, p.Ser242Asn (NM_001164753.2, NM_001413877.1); c.839G>A, p.Ser280Asn (NM_001164754.2, NM_001413847.1, NM_001413860.1 and 2 more transcripts); c.767G>A, p.Ser256Asn (NM_001164755.2, NM_001413859.1, NM_001413871.1 and 2 more transcripts); c.896G>A, p.Ser299Asn (NM_001413844.1, NM_001413855.1, NM_001413891.1 and 2 more transcripts); c.941G>A, p.Ser314Asn (NM_001413845.1); and 43 more; short protein forms S208N, S227N, S236N, S269N, S274N, S280N, S294N, S300N.
Identifiers: ClinVar variation 2463008 (VCV002463008.3), dbSNP rs111708484, ClinGen allele CA4761956.

ClinVar aggregate classification (germline): Uncertain significance. Review status: criteria provided, multiple submitters, no conflicts (2 of 4 stars). 2 submissions from 2 submitters: Uncertain significance (2). Last evaluated 2023-02-14.

Conditions:
Inborn genetic diseases. Identifiers: MedGen C0950123, MeSH D030342.

Allele frequency attached by ClinVar (database versions not stated): ExAC 0.00004; gnomAD 0.00005; gnomAD exomes 0.00006; TOPMed 0.00006; ESP Exome Variant Server 0.00015.

Submissions (2):

Ambry Genetics
Classification: Uncertain significance for Inborn genetic diseases. Last evaluated: 2023-02-14. Review status: criteria provided, single submitter. Criteria: Ambry Variant Classification Scheme 2023. Collection method: clinical testing. Allele origin: germline.

Labcorp Genetics (formerly Invitae), Labcorp
Classification: Uncertain significance. Last evaluated: 2023-02-11. Review status: criteria provided, single submitter. Criteria: Invitae Variant Classification Sherloc (09022015). Collection method: clinical testing. Allele origin: germline.
Comment: This sequence change replaces serine, which is neutral and polar, with asparagine, which is neutral and polar, at codon 299 of the ASPH protein (p.Ser299Asn). The frequency data for this variant in the population databases is considered unreliable, as metrics indicate poor data quality at this position in the gnomAD database. This variant has not been reported in the literature in individuals affected with ASPH-related conditions. Algorithms developed to predict the effect of missense changes on protein structure and function output the following: SIFT: "Tolerated"; PolyPhen-2: "Benign"; Align-GVGD: "Class C0". The asparagine amino acid residue is found in multiple mammalian species, which suggests that this missense change does not adversely affect protein function. In summary, the available evidence is currently insufficient to determine the role of this variant in disease. Therefore, it has been classified as a Variant of Uncertain Significance.